The following is an entry in ClinVar:

ClinVar aggregate classification (germline): Uncertain significance. Review status: criteria provided, multiple submitters, no conflicts (2 of 4 stars). 2 submissions from 2 submitters: Uncertain significance (2). Last evaluated 2021-12-03.

Conditions:
Combined oxidative phosphorylation defect type 17. Also called: Combined oxidative phosphorylation deficiency 17. Identifiers: Orphanet 369913, MedGen C3809526, MONDO:0014190, OMIM 615440.
Inborn genetic diseases. Identifiers: MedGen C0950123, MeSH D030342.

Allele frequency attached by ClinVar (database versions not stated): gnomAD exomes 0.00001 and 0.00002; ExAC 0.00002; gnomAD 0.00005; TOPMed 0.00010.

Submissions (2):

Labcorp Genetics (formerly Invitae), Labcorp
Classification: Uncertain significance for Combined oxidative phosphorylation defect type 17. Last evaluated: 2021-12-03. Review status: criteria provided, single submitter. Criteria: Invitae Variant Classification Sherloc (09022015). Collection method: clinical testing. Allele origin: germline.
Comment: This sequence change replaces arginine, which is basic and polar, with cysteine, which is neutral and slightly polar, at codon 404 of the ELAC2 protein (p.Arg404Cys). The frequency data for this variant in the population databases is considered unreliable, as metrics indicate poor data quality at this position in the gnomAD database. This variant has not been reported in the literature in individuals affected with ELAC2-related conditions. Algorithms developed to predict the effect of missense changes on protein structure and function output the following: SIFT: "Tolerated"; PolyPhen-2: "Benign"; Align-GVGD: "Class C0". The cysteine amino acid residue is found in multiple mammalian species, which suggests that this missense change does not adversely affect protein function. In summary, the available evidence is currently insufficient to determine the role of this variant in disease. Therefore, it has been classified as a Variant of Uncertain Significance.

Ambry Genetics
Classification: Uncertain significance for Inborn genetic diseases. Last evaluated: 2021-08-02. Review status: criteria provided, single submitter. Criteria: Ambry Variant Classification Scheme 2023. Collection method: clinical testing. Allele origin: germline.

NM_018127.7(ELAC2):c.1210C>T (p.Arg404Cys)

Gene: ELAC2 (elaC ribonuclease Z 2; minus strand). Cytogenetic location: 17p12.
Variant type: single nucleotide variant.
Coding change: c.1210C>T on transcript NM_018127.7 (MANE Select); coding-DNA position 1210, C replaced by T.
Protein change: p.Arg404Cys; replaces arginine 404 with cysteine.
Molecular consequence: missense variant.
Genome position (GRCh38, 1-based): chr17:13,002,449, G>A on the plus strand (C>T on the coding strand, the complement: ELAC2 is on the minus strand). VCF-style: chr17-13002449-G-A. GRCh37 (hg19) VCF-style: chr17-12905766-G-A.
Other names: c.1090C>T, p.Arg364Cys (NM_001165962.2); c.1210C>T, p.Arg404Cys (NM_173717.2); c.1210C>T (NM_018127.6); short protein forms R404C, R364C.
Identifiers: ClinVar variation 1477060 (VCV001477060.4), dbSNP rs543132773, ClinGen allele CA8401325.